The following is an entry in ClinVar:

ClinVar aggregate classification (germline): Likely benign. Review status: criteria provided, single submitter (1 of 4 stars). 2 submissions from 2 submitters: Likely benign (1). 1 of the submissions does not count toward it. Last evaluated 2024-05-01.

Conditions:
Joubert syndrome. Also called: JOUBERT-BOLTSHAUSER SYNDROME; Familial aplasia of the vermis. Identifiers: Orphanet 475, MedGen C5979921, MONDO:0018772.
Meckel-Gruber syndrome. Also called: DYSENCEPHALIA SPLANCHNOCYSTICA; GRUBER SYNDROME; Dysencephalia splachnocystica. Identifiers: Orphanet 564, MedGen C0265215, MONDO:0018921.
CC2D2A-related disorder. Also called: CC2D2A-related disorders; CC2D2A-related condition. Identifiers: MedGen CN239313.

Allele frequency attached by ClinVar (database versions not stated): gnomAD 0.00001; gnomAD exomes 0.00001; TOPMed 0.00002.
gnomAD v4.1: 10 of 1,612,370 alleles (0.00062%); highest among the groups gnomAD compares: African/African-American, 0.0013%; no homozygotes.

Submissions (2):

Labcorp Genetics (formerly Invitae), Labcorp
Classification: Likely benign for Joubert syndrome; Meckel-Gruber syndrome. Last evaluated: 2024-05-01. Review status: criteria provided, single submitter. Criteria: Invitae Variant Classification Sherloc (09022015). Collection method: clinical testing. Allele origin: germline.

PreventionGenetics, part of Exact Sciences
Classification: Likely benign for CC2D2A-related condition. Last evaluated: 2021-03-22. Review status: no assertion criteria provided. Collection method: clinical testing. Allele origin: germline. Not counted in ClinVar's aggregate classification.
Comment: This variant is classified as likely benign based on ACMG/AMP sequence variant interpretation guidelines (Richards et al. 2015 PMID: 25741868, with internal and published modifications).

NM_001378615.1(CC2D2A):c.4200A>G (p.Leu1400=)

Genes: CC2D2A (coiled-coil and C2 domain containing 2A; plus strand), FBXL5 (F-box and leucine rich repeat protein 5; minus strand). Cytogenetic location: 4p15.32.
Variant type: single nucleotide variant.
Coding change: c.4200A>G on transcript NM_001378615.1 (MANE Select); coding-DNA position 4200, A replaced by G.
Protein change: p.Leu1400=; no amino-acid change (leucine 1400 retained).
Molecular consequence: synonymous variant.
Genome position (GRCh38, 1-based): chr4:15,589,565, A>G. VCF-style: chr4-15589565-A-G. GRCh37 (hg19) VCF-style: chr4-15591188-A-G.
Other names: c.4200A>G, p.Leu1400= (NM_001080522.2); c.4053A>G, p.Leu1351= (NM_001378617.1).
Identifiers: ClinVar variation 1085179 (VCV001085179.11), dbSNP rs1720998446, ClinGen allele CA438390944.